The following is an entry in ClinVar:

NM_000548.5(TSC2):c.4184A>G (p.Gln1395Arg)

Gene: TSC2 (TSC complex subunit 2; plus strand). Cytogenetic location: 16p13.3.
Variant type: single nucleotide variant.
Coding change: c.4184A>G on transcript NM_000548.5 (MANE Select); coding-DNA position 4184, A replaced by G.
Protein change: p.Gln1395Arg; replaces glutamine 1395 with arginine.
Molecular consequence: missense variant. On other transcripts: non-coding transcript variant (5).
Genome position (GRCh38, 1-based): chr16:2,084,406, A>G. VCF-style: chr16-2084406-A-G. GRCh37 (hg19) VCF-style: chr16-2134407-A-G.
Other names: c.3983A>G, p.Gln1328Arg (NM_001077183.3); c.4115A>G, p.Gln1372Arg (NM_001114382.3); c.3875A>G, p.Gln1292Arg (NM_001318827.2); c.3839A>G, p.Gln1280Arg (NM_001318829.2); c.3452A>G, p.Gln1151Arg (NM_001318831.2); c.4016A>G, p.Gln1339Arg (NM_001318832.2); c.3986A>G, p.Gln1329Arg (NM_001363528.2); c.4052A>G, p.Gln1351Arg (NM_001370404.1); and 26 more; short protein forms Q1323R, Q1324R, Q1335R, Q1358R, Q1372R, Q1172R, Q1175R, Q1195R.
Identifiers: ClinVar variation 2865764 (VCV002865764.3), dbSNP rs2151526513, ClinGen allele CA394299813.

ClinVar aggregate classification (germline): Uncertain significance (1 of 4 stars; one submission).

Conditions:
Tuberous sclerosis 2 (TSC2). Identifiers: Orphanet 805, MedGen C1860707, MONDO:0013199, OMIM 613254.

Submission:

Labcorp Genetics (formerly Invitae), Labcorp
Classification: Uncertain significance for Tuberous sclerosis 2. Last evaluated: 2023-05-19. Review status: criteria provided, single submitter. Criteria: Invitae Variant Classification Sherloc (09022015). Collection method: clinical testing. Allele origin: germline.
Comment: This sequence change replaces glutamine, which is neutral and polar, with arginine, which is basic and polar, at codon 1395 of the TSC2 protein (p.Gln1395Arg). This variant is not present in population databases (gnomAD no frequency). This variant has not been reported in the literature in individuals affected with TSC2-related conditions. Advanced modeling of protein sequence and biophysical properties (such as structural, functional, and spatial information, amino acid conservation, physicochemical variation, residue mobility, and thermodynamic stability) performed at Invitae indicates that this missense variant is not expected to disrupt TSC2 protein function. In summary, the available evidence is currently insufficient to determine the role of this variant in disease. Therefore, it has been classified as a Variant of Uncertain Significance.